The following is an entry in ClinVar:

ClinVar aggregate classification (germline): Uncertain significance. Review status: criteria provided, multiple submitters, no conflicts (2 of 4 stars). 2 submissions from 2 submitters: Uncertain significance (2). Last evaluated 2026-07-22.

Conditions:
PTPRQ-related disorder. Also called: PTPRQ-related condition.

Allele frequency attached by ClinVar (database versions not stated): gnomAD 0.00003; TOPMed 0.00003; ExAC 0.00005.
gnomAD v4.1: 61 of 1,549,046 alleles (0.0039%); highest among the groups gnomAD compares: African/African-American, 0.0041%; no homozygotes.

Submissions (2):

PreventionGenetics, part of Exact Sciences
Classification: Uncertain significance for PTPRQ-related condition. Last evaluated: 2026-07-22. Review status: criteria provided, single submitter. Criteria: ACMG Guidelines, 2015. Collection method: clinical testing. Allele origin: germline.
Comment: The PTPRQ c.5579G>T variant is predicted to result in the amino acid substitution p.Cys1860Phe. To our knowledge, this variant has not been reported in the literature. This variant is reported in 0.069% of alleles in individuals of Ashkenazi Jewish descent in gnomAD. At this time, the clinical significance of this variant is uncertain due to the absence of conclusive functional and genetic evidence.

CeGaT Center for Human Genetics Tuebingen
Classification: Uncertain significance. Last evaluated: 2023-09-01. Review status: criteria provided, single submitter. Criteria: CeGaT Center For Human Genetics Tuebingen Variant Classification Criteria Version 2. Collection method: clinical testing. Allele origin: germline. Affected: yes. Observed: 1 variant allele.

NM_001145026.2(PTPRQ):c.5579G>T (p.Cys1860Phe)

Gene: PTPRQ (protein tyrosine phosphatase receptor type Q; plus strand). Cytogenetic location: 12q21.31.
Variant type: single nucleotide variant.
Coding change: c.5579G>T on transcript NM_001145026.2 (MANE Select); coding-DNA position 5579, G replaced by T.
Protein change: p.Cys1860Phe; replaces cysteine 1860 with phenylalanine.
Molecular consequence: missense variant.
Genome position (GRCh38, 1-based): chr12:80,620,343, G>T. VCF-style: chr12-80620343-G-T. GRCh37 (hg19) VCF-style: chr12-81014122-G-T.
Other names: c.5579G>T (NM_001145026.1); short protein forms C1860F.
Identifiers: ClinVar variation 2643194 (VCV002643194.25), dbSNP rs746105516, ClinGen allele CA6702835.